The following is an entry in ClinVar:

ClinVar aggregate classification (germline): Uncertain significance (1 of 4 stars; one submission).

Conditions:
Dilated cardiomyopathy 1G (CMD1G). Identifiers: Orphanet 154, MedGen C1858763, MONDO:0011400, OMIM 604145.
Autosomal recessive limb-girdle muscular dystrophy type 2J (LGMDR10). Also called: Limb-girdle muscular dystrophy, type 2J; MUSCULAR DYSTROPHY, LIMB-GIRDLE, AUTOSOMAL RECESSIVE 10. Identifiers: Orphanet 140922, MedGen C1837342, MONDO:0012127, OMIM 608807.

Submission:

Labcorp Genetics (formerly Invitae), Labcorp
Classification: Uncertain significance for Dilated cardiomyopathy 1G; Autosomal recessive limb-girdle muscular dystrophy type 2J. Last evaluated: 2021-03-10. Review status: criteria provided, single submitter. Criteria: Invitae Variant Classification Sherloc (09022015). Collection method: clinical testing. Allele origin: germline.
Comment: This sequence change affects codon 14637 of the TTN mRNA. It is a 'silent' change, meaning that it does not change the encoded amino acid sequence of the TTN protein. This variant is not present in population databases (ExAC no frequency). This variant has not been reported in the literature in individuals with TTN-related conditions. Algorithms developed to predict the effect of sequence changes on RNA splicing suggest that this variant may create or strengthen a splice site, but this prediction has not been confirmed by published transcriptional studies. In summary, the available evidence is currently insufficient to determine the role of this variant in disease. Therefore, it has been classified as a Variant of Uncertain Significance.

NM_001267550.2(TTN):c.43911C>T (p.Gly14637=)

Gene: TTN (titin; minus strand). Cytogenetic location: 2q31.2.
Variant type: single nucleotide variant.
Coding change: c.43911C>T on transcript NM_001267550.2 (MANE Select); coding-DNA position 43911, C replaced by T.
Protein change: p.Gly14637=; no amino-acid change (glycine 14637 retained).
Molecular consequence: synonymous variant.
Genome position (GRCh38, 1-based): chr2:178,631,137, G>A on the plus strand (C>T on the coding strand, the complement: TTN is on the minus strand). VCF-style: chr2-178631137-G-A. GRCh37 (hg19) VCF-style: chr2-179495864-G-A.
Other names: c.38988C>T, p.Gly12996= (NM_001256850.1); c.16716C>T, p.Gly5572= (NM_003319.4); c.36207C>T, p.Gly12069= (NM_133378.4); c.17091C>T, p.Gly5697= (NM_133432.3); c.17292C>T, p.Gly5764= (NM_133437.4).
Identifiers: ClinVar variation 1935309 (VCV001935309.2), dbSNP rs2471415764, ClinGen allele CA430276452.